The following is an entry in ClinVar:

ClinVar aggregate classification (germline): Uncertain significance (1 of 4 stars; one submission).

Conditions:
Hereditary cancer-predisposing syndrome. Also called: Neoplastic Syndromes, Hereditary; Tumor predisposition; Hereditary Cancer Syndrome; Hereditary neoplastic syndrome. Identifiers: Orphanet 140162, MedGen C0027672, MeSH D009386, MONDO:0015356.

Submission:

Ambry Genetics
Classification: Uncertain significance for Hereditary cancer-predisposing syndrome. Last evaluated: 2025-05-15. Review status: criteria provided, single submitter. Criteria: Ambry Variant Classification Scheme 2023. Collection method: clinical testing. Allele origin: germline.
Comment: The c.1821delTins13 variant (also known as p.C607delinsWCFKK), located in coding exon 14 of the APC gene, results from an in-frame deletion of T and insertion of 13 nucleotides between positions 1821 and 1822. This results in the substitution of the cysteine residue with amino acids WCFKK at codon 607. This variant is predicted to be deleterious by in silico analysis (Choi Y et al. PLoS ONE. 2012; 7(10):e46688). Based on the available evidence, the clinical significance of this variant remains unclear.

NM_000038.6(APC):c.1821delinsGTGCTTTAAAAAA (p.Cys607delinsTrpCysPheLysLys)

Gene: APC (APC regulator of Wnt signaling pathway; plus strand). Cytogenetic location: 5q22.2.
Variant type: Indel.
Coding change: c.1821delinsGTGCTTTAAAAAA on transcript NM_000038.6 (MANE Select); coding-DNA position 1821, T replaced by GTGCTTTAAAAAA.
Protein change: p.Cys607delinsTrpCysPheLysLys.
Molecular consequence: inframe indel.
Genome position (GRCh38, 1-based): chr5:112,835,028, T replaced by GTGCTTTAAAAAA. VCF-style: chr5-112835028-T-GTGCTTTAAAAAA. GRCh37 (hg19) VCF-style: chr5-112170725-T-GTGCTTTAAAAAA.
Other names: c.1821delinsGTGCTTTAAAAAA, p.Cys607delinsTrpCysPheLysLys (NM_001127510.3, NM_001354895.2); c.1767delinsGTGCTTTAAAAAA, p.Cys589delinsTrpCysPheLysLys (NM_001127511.3); c.1875delinsGTGCTTTAAAAAA, p.Cys625delinsTrpCysPheLysLys (NM_001354896.2); c.1851delinsGTGCTTTAAAAAA, p.Cys617delinsTrpCysPheLysLys (NM_001354897.2); c.1746delinsGTGCTTTAAAAAA, p.Cys582delinsTrpCysPheLysLys (NM_001354898.2); c.1737delinsGTGCTTTAAAAAA, p.Cys579delinsTrpCysPheLysLys (NM_001354899.2); c.1698delinsGTGCTTTAAAAAA, p.Cys566delinsTrpCysPheLysLys (NM_001354900.2); c.1644delinsGTGCTTTAAAAAA, p.Cys548delinsTrpCysPheLysLys (NM_001354901.2); and 5 more.
Identifiers: ClinVar variation 820123 (VCV000820123.5), dbSNP rs1580603761, ClinGen allele CA915942607.